The following is an entry in ClinVar:

NC_000007.13:g.(?_119914687)_(120496817_?)del

Genes: KCND2 (potassium voltage-gated channel subfamily D member 2; plus strand), TSPAN12 (tetraspanin 12; minus strand). Cytogenetic location: 7q31.31.
Variant type: Deletion.
Identifiers: ClinVar variation 1411725 (VCV001411725.5).

ClinVar aggregate classification (germline): Uncertain significance (1 of 4 stars; one submission).

Conditions:
Early Myoclonic Encephalopathy. Identifiers: MedGen C0270855.

Submission:

Labcorp Genetics (formerly Invitae), Labcorp
Classification: Uncertain significance for Early Myoclonic Encephalopathy. Last evaluated: 2022-01-13. Review status: criteria provided, single submitter. Criteria: Invitae Variant Classification Sherloc (09022015). Collection method: clinical testing. Allele origin: germline.
Comment: In summary, the available evidence is currently insufficient to determine the role of this variant in disease. Therefore, it has been classified as a Variant of Uncertain Significance. This variant has not been reported in the literature in individuals affected with KCND2-related conditions. A gross deletion of the genomic region encompassing the full coding sequence of the KCND2 gene has been identified. The current clinical and genetic evidence is not sufficient to establish whether loss-of-function variants in KCND2 cause disease. The boundaries of this event are unknown as they extend beyond the assayed region for this gene and therefore may encompass additional genes.